The following is an entry in ClinVar:

NM_001035.3(RYR2):c.3230T>G (p.Val1077Gly)

Gene: RYR2 (ryanodine receptor 2; plus strand). Cytogenetic location: 1q43.
Variant type: single nucleotide variant.
Coding change: c.3230T>G on transcript NM_001035.3 (MANE Select); coding-DNA position 3230, T replaced by G.
Protein change: p.Val1077Gly; replaces valine 1077 with glycine.
Molecular consequence: missense variant.
Genome position (GRCh38, 1-based): chr1:237,566,582, T>G. VCF-style: chr1-237566582-T-G. GRCh37 (hg19) VCF-style: chr1-237729882-T-G.
Other names: short protein forms V1077G.
Identifiers: ClinVar variation 1729196 (VCV001729196.8), dbSNP rs202176504, ClinGen allele CA39822643.

ClinVar aggregate classification (germline): Uncertain significance. Review status: criteria provided, multiple submitters, no conflicts (2 of 4 stars). 4 submissions from 4 submitters: Uncertain significance (4). Last evaluated 2025-10-27.

Conditions:
Catecholaminergic polymorphic ventricular tachycardia 1. Also called: VENTRICULAR TACHYCARDIA, CATECHOLAMINERGIC POLYMORPHIC, 1, WITH OR WITHOUT ATRIAL DYSFUNCTION AND/OR DILATED CARDIOMYOPATHY; VENTRICULAR TACHYCARDIA, STRESS-INDUCED POLYMORPHIC 1; RYR2-Related Catecholaminergic Polymorphic Ventricular Tachycardia. Identifiers: Orphanet 3286, MedGen C1631597, MONDO:0011484, OMIM 604772.
Catecholaminergic polymorphic ventricular tachycardia (CVPT). Also called: Catecholamine-induced polymorphic ventricular tachycardia. Identifiers: Orphanet 3286, MedGen C5574922, MONDO:0017990.
Cardiomyopathy (CMYO). Also called: Cardiomyopathies. Identifiers: Orphanet 167848, MedGen C0878544, MONDO:0004994, HP:0001638. Inheritance: Various modes of inheritance.
Cardiovascular phenotype. Identifiers: MedGen CN230736.

gnomAD v4.1: 16 of 1,613,696 alleles (0.00099%); highest among the groups gnomAD compares: African/African-American, 0.0013%; no homozygotes.

Submissions (4):

Labcorp Genetics (formerly Invitae), Labcorp
Classification: Uncertain significance for Catecholaminergic polymorphic ventricular tachycardia 1. Last evaluated: 2025-10-27. Review status: criteria provided, single submitter. Criteria: Invitae Variant Classification Sherloc (09022015). Collection method: clinical testing. Allele origin: germline.
Comment: This sequence change replaces valine, which is neutral and non-polar, with glycine, which is neutral and non-polar, at codon 1077 of the RYR2 protein (p.Val1077Gly). This variant is not present in population databases (gnomAD no frequency). This variant has not been reported in the literature in individuals affected with RYR2-related conditions. ClinVar contains an entry for this variant (Variation ID: 1729196). Invitae Evidence Modeling of protein sequence and biophysical properties (such as structural, functional, and spatial information, amino acid conservation, physicochemical variation, residue mobility, and thermodynamic stability) indicates that this missense variant is not expected to disrupt RYR2 protein function with a negative predictive value of 95%. In summary, the available evidence is currently insufficient to determine the role of this variant in disease. Therefore, it has been classified as a Variant of Uncertain Significance.

Color Diagnostics, LLC DBA Color Health
Classification: Uncertain significance for Cardiomyopathy. Last evaluated: 2025-06-25. Review status: criteria provided, single submitter. Criteria: ACMG Guidelines, 2015. Collection method: clinical testing. Allele origin: germline.
Comment: This missense variant replaces valine with glycine at codon 1077 of the RYR2 protein. Computational prediction is inconclusive regarding the impact of this variant on protein structure and function. To our knowledge, functional studies have not been reported for this variant. This variant has not been reported in individuals affected with RYR2-related disorders in the literature. This variant has not been identified in the general population by the Genome Aggregation Database (gnomAD). The available evidence is insufficient to determine the role of this variant in disease conclusively. Therefore, this variant is classified as a Variant of Uncertain Significance.

All of Us Research Program, National Institutes of Health
Classification: Uncertain significance for Catecholaminergic polymorphic ventricular tachycardia. Last evaluated: 2024-05-17. Review status: criteria provided, single submitter. Criteria: ACMG Guidelines, 2015. Collection method: clinical testing. Allele origin: germline. Inheritance: Autosomal dominant inheritance. Observed: 1 variant allele, 1 heterozygote.
Comment: This study involves interpretation of variants in research participants for the purpose of population health screening. Participant phenotype was not available at the time of variant classification. Additional details can be found in publication PMID: 35346344, PMCID: PMC8962531

Ambry Genetics
Classification: Uncertain significance for Cardiovascular phenotype. Last evaluated: 2021-05-26. Review status: criteria provided, single submitter. Criteria: Ambry Variant Classification Scheme 2023. Collection method: clinical testing. Allele origin: germline.
Comment: The p.V1077G variant (also known as c.3230T>G), located in coding exon 28 of the RYR2 gene, results from a T to G substitution at nucleotide position 3230. The valine at codon 1077 is replaced by glycine, an amino acid with dissimilar properties. This variant has been detected in an exome sequencing cohort; however, details were limited (Landstrom AP et al. Circ Arrhythm Electrophysiol, 2017 Apr;10). This amino acid position is well conserved in available vertebrate species. In addition, the in silico prediction for this alteration is inconclusive. Since supporting evidence is limited at this time, the clinical significance of this alteration remains unclear.

Literature cited by the submitters: PubMed 28404607 (cited by Ambry Genetics).